The following is an entry in ClinVar:

NM_000395.3(CSF2RB):c.2356C>G (p.Pro786Ala)

Gene: CSF2RB (colony stimulating factor 2 receptor subunit beta; plus strand). Cytogenetic location: 22q12.3.
Variant type: single nucleotide variant.
Coding change: c.2356C>G on transcript NM_000395.3 (MANE Select); coding-DNA position 2356, C replaced by G.
Protein change: p.Pro786Ala; replaces proline 786 with alanine.
Molecular consequence: missense variant.
Genome position (GRCh38, 1-based): chr22:36,938,164, C>G. VCF-style: chr22-36938164-C-G. GRCh37 (hg19) VCF-style: chr22-37334206-C-G.
Other names: c.2374C>G, p.Pro792Ala (NM_001410827.1); short protein forms P786A, P792A.
Identifiers: ClinVar variation 3608712 (VCV003608712.2).

ClinVar aggregate classification (germline): Uncertain significance (1 of 4 stars; one submission).

gnomAD v4.1: 10 of 1,614,128 alleles (0.00062%); highest among the groups gnomAD compares: Non-Finnish European, 0.00085%; no homozygotes.

Submission:

Labcorp Genetics (formerly Invitae), Labcorp
Classification: Uncertain significance. Last evaluated: 2024-09-29. Review status: criteria provided, single submitter. Criteria: Invitae Variant Classification Sherloc (09022015). Collection method: clinical testing. Allele origin: germline.
Comment: This sequence change replaces proline, which is neutral and non-polar, with alanine, which is neutral and non-polar, at codon 786 of the CSF2RB protein (p.Pro786Ala). This variant is not present in population databases (gnomAD no frequency). This variant has not been reported in the literature in individuals affected with CSF2RB-related conditions. Invitae Evidence Modeling of protein sequence and biophysical properties (such as structural, functional, and spatial information, amino acid conservation, physicochemical variation, residue mobility, and thermodynamic stability) has been performed for this missense variant. However, the output from this modeling did not meet the statistical confidence thresholds required to predict the impact of this variant on CSF2RB protein function. In summary, the available evidence is currently insufficient to determine the role of this variant in disease. Therefore, it has been classified as a Variant of Uncertain Significance.